The following is an entry in ClinVar:

ClinVar aggregate classification (germline): Uncertain significance (1 of 4 stars; one submission).

Conditions:
Saldino-Mainzer syndrome (SRTD9). Also called: CONORENAL SYNDROME; Renal dysplasia, retinal pigmentary dystrophy, cerebellar ataxia and skeletal dysplasia; short-rib thoracic dysplasia 9 with or without polydactyly; SHORT-RIB THORACIC DYSPLASIA 9 WITHOUT POLYDACTYLY. Identifiers: Orphanet 140969, MedGen C1849437, MONDO:0009964, OMIM 266920.

Allele frequency attached by ClinVar (database versions not stated): gnomAD exomes below 0.00001.
gnomAD v4.1: 2 of 1,613,762 alleles (0.00012%); highest among the groups gnomAD compares: Non-Finnish European, 0.00017%; no homozygotes.

Submission:

Labcorp Genetics (formerly Invitae), Labcorp
Classification: Uncertain significance for Saldino-Mainzer syndrome. Last evaluated: 2021-09-08. Review status: criteria provided, single submitter. Criteria: Invitae Variant Classification Sherloc (09022015). Collection method: clinical testing. Allele origin: germline.
Comment: This sequence change replaces phenylalanine with serine at codon 792 of the IFT140 protein (p.Phe792Ser). The phenylalanine residue is moderately conserved and there is a large physicochemical difference between phenylalanine and serine. This variant is not present in population databases (ExAC no frequency). This variant has not been reported in the literature in individuals affected with IFT140-related conditions. Algorithms developed to predict the effect of missense changes on protein structure and function are either unavailable or do not agree on the potential impact of this missense change (SIFT: "Deleterious"; PolyPhen-2: "Possibly Damaging"; Align-GVGD: "Class C0"). In summary, the available evidence is currently insufficient to determine the role of this variant in disease. Therefore, it has been classified as a Variant of Uncertain Significance.

NM_014714.4(IFT140):c.2375T>C (p.Phe792Ser)

Gene: IFT140 (intraflagellar transport 140; minus strand). Cytogenetic location: 16p13.3.
Variant type: single nucleotide variant.
Coding change: c.2375T>C on transcript NM_014714.4 (MANE Select); coding-DNA position 2375, T replaced by C.
Protein change: p.Phe792Ser; replaces phenylalanine 792 with serine.
Molecular consequence: missense variant.
Genome position (GRCh38, 1-based): chr16:1,557,959, A>G on the plus strand (T>C on the coding strand, the complement: IFT140 is on the minus strand). VCF-style: chr16-1557959-A-G. GRCh37 (hg19) VCF-style: chr16-1607960-A-G.
Other names: short protein forms F792S.
Identifiers: ClinVar variation 1045697 (VCV001045697.2), dbSNP rs2033194698, ClinGen allele CA394199854.